The following is an entry in ClinVar:

ClinVar aggregate classification (germline): Uncertain significance. Review status: criteria provided, multiple submitters, no conflicts (2 of 4 stars). 2 submissions from 2 submitters: Uncertain significance (2). Last evaluated 2023-05-18.

Conditions:
Inborn genetic diseases. Identifiers: MedGen C0950123, MeSH D030342.

Allele frequency attached by ClinVar (database versions not stated): ExAC 0.00001; TOPMed 0.00001; gnomAD 0.00002.

Submissions (2):

Ambry Genetics
Classification: Uncertain significance for Inborn genetic diseases. Last evaluated: 2023-05-18. Review status: criteria provided, single submitter. Criteria: Ambry Variant Classification Scheme 2023. Collection method: clinical testing. Allele origin: germline.

Labcorp Genetics (formerly Invitae), Labcorp
Classification: Uncertain significance. Last evaluated: 2022-09-07. Review status: criteria provided, single submitter. Criteria: Invitae Variant Classification Sherloc (09022015). Collection method: clinical testing. Allele origin: germline.
Comment: This variant is present in population databases (rs764713594, gnomAD 0.003%). This sequence change replaces arginine, which is basic and polar, with tryptophan, which is neutral and slightly polar, at codon 151 of the POLR3A protein (p.Arg151Trp). In summary, the available evidence is currently insufficient to determine the role of this variant in disease. Therefore, it has been classified as a Variant of Uncertain Significance. Algorithms developed to predict the effect of missense changes on protein structure and function are either unavailable or do not agree on the potential impact of this missense change (SIFT: "Deleterious"; PolyPhen-2: "Probably Damaging"; Align-GVGD: "Class C0"). This variant has not been reported in the literature in individuals affected with POLR3A-related conditions.

NM_007055.4(POLR3A):c.451C>T (p.Arg151Trp)

Genes: POLR3A (RNA polymerase III subunit A; minus strand), LOC126860971 (CDK7 strongly-dependent group 2 enhancer GRCh37_chr10:79784551-79785750; plus strand). Cytogenetic location: 10q22.3.
Variant type: single nucleotide variant.
Coding change: c.451C>T on transcript NM_007055.4 (MANE Select); coding-DNA position 451, C replaced by T.
Protein change: p.Arg151Trp; replaces arginine 151 with tryptophan.
Molecular consequence: missense variant.
Genome position (GRCh38, 1-based): chr10:78,025,010, G>A on the plus strand (C>T on the coding strand, the complement: POLR3A is on the minus strand). VCF-style: chr10-78025010-G-A. GRCh37 (hg19) VCF-style: chr10-79784768-G-A.
Other names: c.451C>T (NM_007055.3); short protein forms R151W.
Identifiers: ClinVar variation 2187253 (VCV002187253.6), dbSNP rs764713594, ClinGen allele CA5571702.
Genomic context (GRCh38, chr10:78,025,010, plus strand): 5'-CCTTCTGTGCATTCCACTCACCATTAAAAGCGCCACAGTGATGGCAGATGTTTTTCTTCC[G>A]GCACTTGTCAGAGATTTTCTTTTTCAGTCCTCGCTTCTGAAGGTAGGTCAGGCCGGGCCT-3'
Protein context (NP_008986.2, residues 141-161): GLKKKISDKC[Arg151Trp]KKNICHHCGA